The following is an entry in ClinVar:

ClinVar aggregate classification (germline): Uncertain significance (1 of 4 stars; one submission).

Submission:

Labcorp Genetics (formerly Invitae), Labcorp
Classification: Uncertain significance. Last evaluated: 2023-11-21. Review status: criteria provided, single submitter. Criteria: Invitae Variant Classification Sherloc (09022015). Collection method: clinical testing. Allele origin: germline.
Comment: This sequence change replaces aspartic acid, which is acidic and polar, with asparagine, which is neutral and polar, at codon 1067 of the NLRP1 protein (p.Asp1067Asn). This variant is not present in population databases (gnomAD no frequency). This variant has not been reported in the literature in individuals affected with NLRP1-related conditions. Algorithms developed to predict the effect of missense changes on protein structure and function output the following: SIFT: "Not Available"; PolyPhen-2: "Benign"; Align-GVGD: "Not Available". The asparagine amino acid residue is found in multiple mammalian species, which suggests that this missense change does not adversely affect protein function. In summary, the available evidence is currently insufficient to determine the role of this variant in disease. Therefore, it has been classified as a Variant of Uncertain Significance.

NM_033004.4(NLRP1):c.3199G>A (p.Asp1067Asn)

Gene: NLRP1 (NLR family pyrin domain containing 1; minus strand). Cytogenetic location: 17p13.2.
Variant type: single nucleotide variant.
Coding change: c.3199G>A on transcript NM_033004.4 (MANE Select); coding-DNA position 3199, G replaced by A.
Protein change: p.Asp1067Asn; replaces aspartic acid 1067 with asparagine.
Molecular consequence: missense variant.
Genome position (GRCh38, 1-based): chr17:5,532,919, C>T on the plus strand (G>A on the coding strand, the complement: NLRP1 is on the minus strand). VCF-style: chr17-5532919-C-T. GRCh37 (hg19) VCF-style: chr17-5436239-C-T.
Other names: c.3211G>A, p.Asp1071Asn (NM_001033053.3); c.3199G>A, p.Asp1067Asn (NM_014922.5); c.3109G>A, p.Asp1037Asn (NM_033006.4, NM_033007.4); short protein forms D1071N, D1037N, D1067N.
Identifiers: ClinVar variation 2771605 (VCV002771605.3), dbSNP rs1258773668, ClinGen allele CA397391628.
Genomic context (GRCh38, chr17:5,532,919, plus strand): 5'-CCACAGGCCCCGTGGGGCCCCAGAAGTCATCGTCAGTCCCCAAAGGCTTCGTATGCAGGT[C>T]CCCTTGAGAGGCAGGAGAAGGCACGCACAAGAGTTCCACCGGTACTACCTCTGGGGAGCT-3'
Protein context (NP_127497.1, residues 1057-1077): LCVPSPASQG[Asp1067Asn]LHTKPLGTDD